The following is an entry in ClinVar:

ClinVar aggregate classification (germline): Uncertain significance. Review status: criteria provided, multiple submitters, no conflicts (2 of 4 stars). 3 submissions from 3 submitters: Uncertain significance (3). Last evaluated 2024-02-17.

Allele frequency attached by ClinVar (database versions not stated): ExAC 0.00003; gnomAD exomes 0.00003 and 0.00001; gnomAD 0.00001; TOPMed 0.00001.
gnomAD v4.1: 16 of 1,614,116 alleles (0.00099%); highest among the groups gnomAD compares: East Asian, 0.031%; no homozygotes.

Submissions (3):

Labcorp Genetics (formerly Invitae), Labcorp
Classification: Uncertain significance. Last evaluated: 2024-02-17. Review status: criteria provided, single submitter. Criteria: Invitae Variant Classification Sherloc (09022015). Collection method: clinical testing. Allele origin: germline.
Comment: This sequence change replaces asparagine, which is neutral and polar, with aspartic acid, which is acidic and polar, at codon 280 of the SLC7A14 protein (p.Asn280Asp). This variant is present in population databases (rs774477328, gnomAD 0.04%). This variant has not been reported in the literature in individuals affected with SLC7A14-related conditions. ClinVar contains an entry for this variant (Variation ID: 969389). An algorithm developed to predict the effect of missense changes on protein structure and function (PolyPhen-2) suggests that this variant is likely to be tolerated. In summary, the available evidence is currently insufficient to determine the role of this variant in disease. Therefore, it has been classified as a Variant of Uncertain Significance.

Blueprint Genetics
Classification: Uncertain significance. Last evaluated: 2022-01-18. Review status: criteria provided, single submitter. Criteria: ACMG Guidelines, 2015. Collection method: clinical testing. Allele origin: germline.

Breakthrough Genomics
Classification: Uncertain significance. Review status: criteria provided, single submitter. Criteria: ACMG Guidelines, 2015. Collection method: not provided. Allele origin: germline. Inheritance: Autosomal recessive inheritance. Affected: yes.

NM_020949.3(SLC7A14):c.838A>G (p.Asn280Asp)

Genes: SLC7A14 (solute carrier family 7 member 14; minus strand), SLC7A14-AS1 (SLC7A14 antisense RNA 1; plus strand). Cytogenetic location: 3q26.2.
Variant type: single nucleotide variant.
Coding change: c.838A>G on transcript NM_020949.3 (MANE Select); coding-DNA position 838, A replaced by G.
Protein change: p.Asn280Asp; replaces asparagine 280 with aspartic acid.
Molecular consequence: missense variant.
Genome position (GRCh38, 1-based): chr3:170,486,290, T>C on the plus strand (A>G on the coding strand, the complement: SLC7A14 is on the minus strand). VCF-style: chr3-170486290-T-C. GRCh37 (hg19) VCF-style: chr3-170204079-T-C.
Other names: short protein forms N280D.
Identifiers: ClinVar variation 969389 (VCV000969389.6), dbSNP rs774477328, ClinGen allele CA2701794.